The following is an entry in ClinVar:

NM_152594.3(SPRED1):c.38G>A (p.Ser13Asn)

Gene: SPRED1 (sprouty related EVH1 domain containing 1; plus strand). Cytogenetic location: 15q14.
Variant type: single nucleotide variant.
Coding change: c.38G>A on transcript NM_152594.3 (MANE Select); coding-DNA position 38, G replaced by A.
Protein change: p.Ser13Asn; replaces serine 13 with asparagine.
Molecular consequence: missense variant.
Genome position (GRCh38, 1-based): chr15:38,299,378, G>A. VCF-style: chr15-38299378-G-A. GRCh37 (hg19) VCF-style: chr15-38591579-G-A.
Other names: short protein forms S13N.
Identifiers: ClinVar variation 372680 (VCV000372680.1), dbSNP rs1057517922, ClinGen allele CA16042916.

ClinVar aggregate classification (germline): Uncertain significance (1 of 4 stars; one submission).

Allele frequency attached by ClinVar (database versions not stated): gnomAD exomes below 0.00001.
gnomAD v4.1: 1 of 1,613,858 alleles (0.000062%); highest among the groups gnomAD compares: Non-Finnish European, 0.000085%; no homozygotes.

Submission:

GeneDx
Classification: Uncertain significance. Last evaluated: 2015-10-06. Review status: criteria provided, single submitter. Criteria: GeneDx Variant Classification (06012015). Collection method: clinical testing. Allele origin: germline. Affected: yes.
Comment: The S13N variant in the SPRED1 gene has not been published as a pathogenic variant, nor has it been reported as a benign variant to our knowledge. The S13N variant was not observed in approximately 6,500 individuals of European and African American ancestry in the NHLBI Exome Sequencing Project, indicating it is not a common benign variant in these populations. The S13N variant is a conservative amino acid substitution, which is not likely to impact secondary protein structure as these residues share similar properties. This substitution occurs at a position that is conserved across species. In silico analysis is inconsistent in its predictions as to whether or not the variant is damaging to the protein structure/function. We interpret S13N as a variant of uncertain significance.